The following is an entry in ClinVar:

NM_004560.4(ROR2):c.1522A>G (p.Thr508Ala)

Gene: ROR2 (ROR family WNT receptor 2; minus strand). Cytogenetic location: 9q22.31.
Variant type: single nucleotide variant.
Coding change: c.1522A>G on transcript NM_004560.4 (MANE Select); coding-DNA position 1522, A replaced by G.
Protein change: p.Thr508Ala; replaces threonine 508 with alanine.
Molecular consequence: missense variant.
Genome position (GRCh38, 1-based): chr9:91,724,972, T>C on the plus strand (A>G on the coding strand, the complement: ROR2 is on the minus strand). VCF-style: chr9-91724972-T-C. GRCh37 (hg19) VCF-style: chr9-94487254-T-C.
Other names: c.1522A>G (NM_004560.3); short protein forms T508A.
Identifiers: ClinVar variation 3609260 (VCV003609260.5).

ClinVar aggregate classification (germline): Uncertain significance. Review status: criteria provided, multiple submitters, no conflicts (2 of 4 stars). 3 submissions from 3 submitters: Uncertain significance (3). Last evaluated 2026-06-01.

Conditions:
Inborn genetic diseases. Identifiers: MedGen C0950123, MeSH D030342.

Submissions (3):

CeGaT Center for Human Genetics Tuebingen
Classification: Uncertain significance. Last evaluated: 2026-06-01. Review status: criteria provided, single submitter. Criteria: CeGaT Center For Human Genetics Tuebingen Variant Classification Criteria Version 2. Collection method: clinical testing. Allele origin: germline. Affected: yes. Observed: 1 variant allele.
Comment: ROR2: PM2

Ambry Genetics
Classification: Uncertain significance for Inborn genetic diseases. Last evaluated: 2025-02-19. Review status: criteria provided, single submitter. Criteria: Ambry Variant Classification Scheme 2023. Collection method: clinical testing. Allele origin: germline.

Labcorp Genetics (formerly Invitae), Labcorp
Classification: Uncertain significance. Last evaluated: 2025-01-24. Review status: criteria provided, single submitter. Criteria: Invitae Variant Classification Sherloc (09022015). Collection method: clinical testing. Allele origin: germline.
Comment: This sequence change replaces threonine, which is neutral and polar, with alanine, which is neutral and non-polar, at codon 508 of the ROR2 protein (p.Thr508Ala). This variant is present in population databases (rs754886878, gnomAD 0.0009%). This variant has not been reported in the literature in individuals affected with ROR2-related conditions. Invitae Evidence Modeling of protein sequence and biophysical properties (such as structural, functional, and spatial information, amino acid conservation, physicochemical variation, residue mobility, and thermodynamic stability) indicates that this missense variant is expected to disrupt ROR2 protein function with a positive predictive value of 80%. In summary, the available evidence is currently insufficient to determine the role of this variant in disease. Therefore, it has been classified as a Variant of Uncertain Significance.